The following is an entry in ClinVar:

ClinVar aggregate classification (germline): Likely benign. Review status: criteria provided, multiple submitters, no conflicts (2 of 4 stars). 3 submissions from 3 submitters: Likely benign (3). Last evaluated 2025-08-26.

Conditions:
Autosomal dominant nonsyndromic hearing loss 3B. Identifiers: Orphanet 90635, MedGen C2675237, MONDO:0012975, OMIM 612643.
Autosomal recessive nonsyndromic hearing loss 1B. Also called: DEAFNESS, AUTOSOMAL RECESSIVE 1B. Identifiers: Orphanet 90636, MedGen C2675235, MONDO:0012977, OMIM 612645.
Hidrotic ectodermal dysplasia syndrome (GJB6). Also called: Ectodermal dysplasia 2, hidrotic; Autosomal dominant hidrotic ectodermal dysplasia; Clouston syndrome; Clouston's hidrotic ectodermal dysplasia; CLOUSTON HIDROTIC ECTODERMAL DYSPLASIA; ECTODERMAL DYSPLASIA 2, CLOUSTON TYPE. Identifiers: Orphanet 189, MedGen C0162361, MONDO:0007510, OMIM 129500.
Autosomal recessive nonsyndromic hearing loss 1A (DFNB1A). Also called: Deafness, autosomal recessive 1A; GJB6-Related DFNB 1 Nonsyndromic Hearing Loss and Deafness; Connexin 26 deafness; Deafness nonsyndromic, Connexin 26 linked; Nonsyndromic Hearing Loss and Deafness, DFNB1; GJB2-Related Autosomal Recessive Nonsyndromic Hearing Loss. Identifiers: Orphanet 90636, MedGen C2673759, MONDO:0009076, OMIM 220290.

Allele frequency attached by ClinVar (database versions not stated): gnomAD exomes 0.00004 and 0.00002; TOPMed 0.00005; ExAC 0.00002; gnomAD 0.00004.
gnomAD v4.1: 63 of 1,614,058 alleles (0.0039%); highest among the groups gnomAD compares: Admixed American, 0.023%; no homozygotes.

Submissions (3):

Labcorp Genetics (formerly Invitae), Labcorp
Classification: Likely benign for Autosomal dominant nonsyndromic hearing loss 3B; Hidrotic ectodermal dysplasia syndrome; Autosomal recessive nonsyndromic hearing loss 1B; Autosomal recessive nonsyndromic hearing loss 1A. Last evaluated: 2025-08-26. Review status: criteria provided, single submitter. Criteria: Invitae Variant Classification Sherloc (09022015). Collection method: clinical testing. Allele origin: germline.

GeneDx
Classification: Likely benign. Last evaluated: 2020-11-02. Review status: criteria provided, single submitter. Criteria: GeneDx Variant Classification Process June 2021. Collection method: clinical testing. Allele origin: germline. Affected: yes.

Laboratory for Molecular Medicine, Mass General Brigham Personalized Medicine
Classification: Likely benign. Last evaluated: 2013-06-21. Review status: criteria provided, single submitter. Criteria: LMM Criteria. Collection method: clinical testing. Allele origin: germline. Inheritance: Autosomal recessive inheritance. Observed: 1 variant allele.
Comment: Ala39Ala in exon 3 of GJB6: This variant is not expected to have clinical signi ficance because it does not alter an amino acid residue and it is not located wi thin the splice consensus sequence.

Literature cited by the submitters: PubMed 10610709 (cited by Laboratory for Molecular Medicine, Mass General Brigham Personalized Medicine).

NM_001110219.3(GJB6):c.117T>C (p.Ala39=)

Gene: GJB6 (gap junction protein beta 6; minus strand). Cytogenetic location: 13q12.11.
Variant type: single nucleotide variant.
Coding change: c.117T>C on transcript NM_001110219.3 (MANE Select); coding-DNA position 117, T replaced by C.
Protein change: p.Ala39=; no amino-acid change (alanine 39 retained).
Molecular consequence: synonymous variant.
Genome position (GRCh38, 1-based): chr13:20,223,364, A>G on the plus strand (T>C on the coding strand, the complement: GJB6 is on the minus strand). VCF-style: chr13-20223364-A-G. GRCh37 (hg19) VCF-style: chr13-20797503-A-G.
Other names: c.117T>C, p.Ala39= (NM_001110220.3, NM_001110221.3, NM_001370090.1 and 3 more transcripts).
Identifiers: ClinVar variation 163538 (VCV000163538.8), dbSNP rs727503070, ClinGen allele CA176177.